The following is an entry in ClinVar:

ClinVar aggregate classification (germline): Uncertain significance (1 of 4 stars; one submission).

Conditions:
Hereditary cancer-predisposing syndrome. Also called: Tumor predisposition; Neoplastic Syndromes, Hereditary; Hereditary Cancer Syndrome; Hereditary neoplastic syndrome. Identifiers: Orphanet 140162, MedGen C0027672, MeSH D009386, MONDO:0015356.

Submission:

Ambry Genetics
Classification: Uncertain significance for Hereditary cancer-predisposing syndrome. Last evaluated: 2025-01-23. Review status: criteria provided, single submitter. Criteria: Ambry Variant Classification Scheme 2023. Collection method: clinical testing. Allele origin: germline.
Comment: The c.3514_3515insAAA variant (also known as p.D1171_R1172insK), located in coding exon 6 of the MSH6 gene, results from an in-frame AAA insertion at nucleotide positions 3514 to 3515. This results in the insertion of an extra lysine residue between codons 1171 and 1172. This amino acid region is highly conserved in available vertebrate species. In addition, this alteration is predicted to be deleterious by in silico analysis (Choi Y et al. PLoS ONE. 2012; 7(10):e46688). Based on the available evidence, the clinical significance of this variant remains unclear.

NM_000179.3(MSH6):c.3514_3515insAAA (p.Asp1171_Arg1172insLys)

Gene: MSH6 (mutS homolog 6; plus strand). Cytogenetic location: 2p16.3.
Variant type: Insertion.
Coding change: c.3514_3515insAAA on transcript NM_000179.3 (MANE Select); coding-DNA positions 3514 to 3515, AAA inserted.
Protein change: p.Asp1171_Arg1172insLys.
Molecular consequence: inframe insertion. On other transcripts: non-coding transcript variant (4).
Genome position: GRCh38 VCF-style: chr2-47804984-T-TAAA. GRCh37 (hg19) VCF-style: chr2-48032123-T-TAAA.
Other names: c.3217_3218insAAA, p.Asp1072_Arg1073insLys (NM_001406801.1, NM_001406805.1, NM_001406818.1 and 10 more transcripts); c.3610_3611insAAA, p.Asp1203_Arg1204insLys (NM_001406802.1, NM_001406795.1); c.2650_2651insAAA, p.Asp883_Arg884insLys (NM_001406803.1); c.3436_3437insAAA, p.Asp1145_Arg1146insLys (NM_001406804.1); c.2989_2990insAAA, p.Asp996_Arg997insLys (NM_001406806.1, NM_001406807.1, NM_001406799.1); c.3514_3515insAAA, p.Asp1171_Arg1172insLys (NM_001406808.1, NM_001406809.1, NM_001406796.1 and 1 more transcripts); c.2608_2609insAAA, p.Asp869_Arg870insLys (NM_001406811.1, NM_001406812.1, NM_001406814.1 and 6 more transcripts); c.3520_3521insAAA, p.Asp1173_Arg1174insLys (NM_001406813.1); and 7 more.
Identifiers: ClinVar variation 3875068 (VCV003875068.1).